The following is an entry in ClinVar:

NM_004369.4(COL6A3):c.5668G>T (p.Val1890Leu)

Gene: COL6A3 (collagen type VI alpha 3 chain; minus strand). Cytogenetic location: 2q37.3.
Variant type: single nucleotide variant.
Coding change: c.5668G>T on transcript NM_004369.4 (MANE Select); coding-DNA position 5668, G replaced by T.
Protein change: p.Val1890Leu; replaces valine 1890 with leucine.
Molecular consequence: missense variant.
Genome position (GRCh38, 1-based): chr2:237,365,868, C>A on the plus strand (G>T on the coding strand, the complement: COL6A3 is on the minus strand). VCF-style: chr2-237365868-C-A. GRCh37 (hg19) VCF-style: chr2-238274511-C-A.
Other names: c.3847G>T, p.Val1283Leu (NM_057166.5); c.5050G>T, p.Val1684Leu (NM_057167.4); short protein forms V1890L, V1684L, V1283L.
Identifiers: ClinVar variation 3650139 (VCV003650139.2).

ClinVar aggregate classification (germline): Uncertain significance (1 of 4 stars; one submission).

Conditions:
Bethlem myopathy 1A. Also called: Bethlem myopathy 1; MYOPATHY, BENIGN CONGENITAL, WITH CONTRACTURES; Bethlem Muscular Dystrophy. Identifiers: Orphanet 610, MedGen CN029274, MONDO:0024530, OMIM 158810.

Submission:

Labcorp Genetics (formerly Invitae), Labcorp
Classification: Uncertain significance for Bethlem myopathy 1A. Last evaluated: 2024-04-16. Review status: criteria provided, single submitter. Criteria: Invitae Variant Classification Sherloc (09022015). Collection method: clinical testing. Allele origin: germline.
Comment: This sequence change replaces valine, which is neutral and non-polar, with leucine, which is neutral and non-polar, at codon 1890 of the COL6A3 protein (p.Val1890Leu). This variant is not present in population databases (gnomAD no frequency). This variant has not been reported in the literature in individuals affected with COL6A3-related conditions. Advanced modeling of protein sequence and biophysical properties (such as structural, functional, and spatial information, amino acid conservation, physicochemical variation, residue mobility, and thermodynamic stability) performed at Invitae indicates that this missense variant is not expected to disrupt COL6A3 protein function with a negative predictive value of 80%. In summary, the available evidence is currently insufficient to determine the role of this variant in disease. Therefore, it has been classified as a Variant of Uncertain Significance.